The following is an entry in ClinVar:

ClinVar aggregate classification (germline): Benign/Likely benign. Review status: criteria provided, multiple submitters, no conflicts (2 of 4 stars). 5 submissions from 5 submitters: Benign (1); Likely benign (4). Last evaluated 2024-08-07.

Conditions:
Juvenile polyposis syndrome (JPS). Identifiers: Orphanet 2929, MedGen C0345893, MONDO:0017380, OMIM 174900.
Hereditary cancer-predisposing syndrome. Also called: Hereditary Cancer Syndrome; Neoplastic Syndromes, Hereditary; Hereditary neoplastic syndrome; Tumor predisposition. Identifiers: Orphanet 140162, MedGen C0027672, MeSH D009386, MONDO:0015356.

Allele frequency attached by ClinVar (database versions not stated): gnomAD exomes below 0.00001; TOPMed below 0.00001; ExAC 0.00001; gnomAD 0.00001; 1000 Genomes Project 30x 0.00016; 1000 Genomes Project 0.00020.
gnomAD v4.1: 1 of 1,614,170 alleles (0.000062%); highest among the groups gnomAD compares: Admixed American, 0.0017%; no homozygotes.

Submissions (5):

Myriad Genetics, Inc.
Classification: Benign for Juvenile polyposis syndrome. Last evaluated: 2024-08-07. Review status: criteria provided, single submitter. Criteria: Myriad Autosomal Dominant, Autosomal Recessive and X-Linked Classification Criteria (2023). Collection method: clinical testing. Allele origin: unknown.
Comment: This variant is considered benign. This variant is a silent/synonymous amino acid change and it is not expected to impact splicing.

All of Us Research Program, National Institutes of Health
Classification: Likely benign for Juvenile polyposis syndrome. Last evaluated: 2023-11-20. Review status: criteria provided, single submitter. Criteria: ACMG Guidelines, 2015. Collection method: clinical testing. Allele origin: germline. Inheritance: Autosomal dominant inheritance. Observed: 1 variant allele, 1 heterozygote.
Comment: This study involves interpretation of variants in research participants for the purpose of population health screening. Participant phenotype was not available at the time of variant classification. Additional details can be found in publication PMID: 35346344, PMCID: PMC8962531

Color Diagnostics, LLC DBA Color Health
Classification: Likely benign for Hereditary cancer-predisposing syndrome. Last evaluated: 2023-10-02. Review status: criteria provided, single submitter. Criteria: ACMG Guidelines, 2015. Collection method: clinical testing. Allele origin: germline.

Labcorp Genetics (formerly Invitae), Labcorp
Classification: Likely benign for Juvenile polyposis syndrome. Last evaluated: 2022-12-09. Review status: criteria provided, single submitter. Criteria: Invitae Variant Classification Sherloc (09022015). Collection method: clinical testing. Allele origin: germline.

Ambry Genetics
Classification: Likely benign for Hereditary cancer-predisposing syndrome. Last evaluated: 2019-11-11. Review status: criteria provided, single submitter. Criteria: Ambry Variant Classification Scheme 2023. Collection method: clinical testing. Allele origin: germline.

NM_004329.3(BMPR1A):c.1311T>C (p.Ile437=)

Gene: BMPR1A (bone morphogenetic protein receptor type 1A; plus strand). Cytogenetic location: 10q23.2.
Variant type: single nucleotide variant.
Coding change: c.1311T>C on transcript NM_004329.3 (MANE Select); coding-DNA position 1311, T replaced by C.
Protein change: p.Ile437=; no amino-acid change (isoleucine 437 retained).
Molecular consequence: synonymous variant.
Genome position (GRCh38, 1-based): chr10:86,921,664, T>C. VCF-style: chr10-86921664-T-C. GRCh37 (hg19) VCF-style: chr10-88681421-T-C.
Identifiers: ClinVar variation 818876 (VCV000818876.11), dbSNP rs541331090, ClinGen allele CA5585681.